The following is an entry in ClinVar:

ClinVar aggregate classification (germline): Pathogenic (1 of 4 stars; one submission).

Conditions:
Hereditary factor XI deficiency disease. Also called: PLASMA THROMBOPLASTIN ANTECEDENT DEFICIENCY; PTA DEFICIENCY; ROSENTHAL SYNDROME; Congenital factor XI deficiency. Identifiers: Orphanet 329, MedGen C0015523, MeSH D005173, MONDO:0012897, OMIM 612416.

Submission:

Myriad Genetics, Inc.
Classification: Pathogenic for Hereditary factor XI deficiency disease. Last evaluated: 2024-05-14. Review status: criteria provided, single submitter. Criteria: Myriad Autosomal Dominant, Autosomal Recessive and X-Linked Classification Criteria (2023). Collection method: clinical testing. Allele origin: unknown.
Comment: NM_000128.3(F11):c.99_111del13ins3(D34Lfs*12) is expected to be pathogenic in the context of factor XI deficiency. This variant is predicted to lead to an abnormal or absent protein product due to the creation of a premature termination codon in F11, a gene where loss-of-function variants are known to be pathogenic. Please note: this variant was assessed in the context of healthy population screening.

NM_000128.4(F11):c.99_111delinsACT (p.Asp34fs)

Gene: F11 (coagulation factor XI; plus strand). Cytogenetic location: 4q35.2.
Variant type: Indel.
Coding change: c.99_111delinsACT on transcript NM_000128.4 (MANE Select); coding-DNA positions 99 to 111, GGACATTACTACG replaced by ACT.
Protein change: p.Asp34fs; shifts the reading frame from aspartic acid 34.
Molecular consequence: frameshift variant.
Genome position (GRCh38, 1-based): chr4:186,271,652-186,271,664, GGACATTACTACG replaced by ACT. VCF-style: chr4-186271652-GGACATTACTACG-ACT. GRCh37 (hg19) VCF-style: chr4-187192806-GGACATTACTACG-ACT.
Other names: c.99_111delinsACT, p.Asp34fs (NM_001354804.2, NM_001440590.1, NM_001440593.1 and 5 more transcripts); short protein forms D34fs.
Identifiers: ClinVar variation 5010814 (VCV005010814.1).